The following is an entry in ClinVar:

ClinVar aggregate classification (germline): Conflicting classifications of pathogenicity. Review status: criteria provided, conflicting classifications (1 of 4 stars). 2 submissions from 2 submitters: Uncertain significance (1); Likely benign (1). Last evaluated 2025-10-21.

Conditions:
Arrhythmogenic cardiomyopathy with wooly hair and keratoderma. Also called: PALMOPLANTAR KERATODERMA WITH LEFT VENTRICULAR CARDIOMYOPATHY AND WOOLLY HAIR; Carvajal syndrome; Dilated cardiomyopathy with woolly hair and keratoderma; Arrhythmogenic cardiomyopathy with woolly hair and keratoderma. Identifiers: Orphanet 65282, MedGen C1854063, MONDO:0011581, OMIM 605676.
Arrhythmogenic right ventricular dysplasia 8 (ARVD8). Also called: ARRHYTHMOGENIC RIGHT VENTRICULAR DYSPLASIA, FAMILIAL, 8; ARRHYTHMOGENIC RIGHT VENTRICULAR CARDIOMYOPATHY 8; Arrhythmogenic Right Ventricular Dysplasia/Cardiomyopathy 8. Identifiers: MedGen C1843896, MONDO:0011831, OMIM 607450.

Submissions (2):

Labcorp Genetics (formerly Invitae), Labcorp
Classification: Likely benign for Arrhythmogenic cardiomyopathy with wooly hair and keratoderma; Arrhythmogenic right ventricular dysplasia 8. Last evaluated: 2025-10-21. Review status: criteria provided, single submitter. Criteria: Invitae Variant Classification Sherloc (09022015). Collection method: clinical testing. Allele origin: germline.

All of Us Research Program, National Institutes of Health
Classification: Uncertain significance for Arrhythmogenic cardiomyopathy with wooly hair and keratoderma. Last evaluated: 2023-08-23. Review status: criteria provided, single submitter. Criteria: ACMG Guidelines, 2015. Collection method: clinical testing. Allele origin: germline. Inheritance: Autosomal dominant inheritance. Observed: 1 variant allele, 1 heterozygote.
Comment: This variant is located in the DSP protein. To our knowledge, functional studies have not been reported for this variant. This variant has not been reported in individuals affected with DSP-related disorders in the literature. This variant has not been identified in the general population by the Genome Aggregation Database (gnomAD). The available evidence is insufficient to determine the role of this variant in disease conclusively. Therefore, this variant is classified as a Variant of Uncertain Significance.

This study involves interpretation of variants in research participants for the purpose of population health screening. Participant phenotype was not available at the time of variant classification. Additional details can be found in publication PMID: 35346344, PMCID: PMC8962531

NM_004415.4(DSP):c.6606A>G (p.Ser2202=)

Gene: DSP (desmoplakin; plus strand). Cytogenetic location: 6p24.3.
Variant type: single nucleotide variant.
Coding change: c.6606A>G on transcript NM_004415.4 (MANE Select); coding-DNA position 6606, A replaced by G.
Protein change: p.Ser2202=; no amino-acid change (serine 2202 retained).
Molecular consequence: synonymous variant.
Genome position (GRCh38, 1-based): chr6:7,583,868, A>G. VCF-style: chr6-7583868-A-G. GRCh37 (hg19) VCF-style: chr6-7584101-A-G.
Other names: c.4809A>G, p.Ser1603= (NM_001008844.3); c.5277A>G, p.Ser1759= (NM_001319034.2).
Identifiers: ClinVar variation 3073043 (VCV003073043.2), dbSNP rs2533942196, ClinGen allele CA448715899.